The following is an entry in ClinVar:

NM_002878.4(RAD51D):c.217G>C (p.Glu73Gln)

Genes: RAD51L3-RFFL (RAD51L3-RFFL readthrough; minus strand), RAD51D (RAD51 paralog D; minus strand). Cytogenetic location: 17q12.
Variant type: single nucleotide variant.
Coding change: c.217G>C on transcript NM_002878.4 (MANE Select); coding-DNA position 217, G replaced by C.
Protein change: p.Glu73Gln; replaces glutamic acid 73 with glutamine.
Molecular consequence: missense variant. On other transcripts: intron variant (2).
Genome position (GRCh38, 1-based): chr17:35,118,547, C>G on the plus strand (G>C on the coding strand, the complement: RAD51D is on the minus strand). VCF-style: chr17-35118547-C-G. GRCh37 (hg19) VCF-style: chr17-33445566-C-G.
Other names: c.144+564G>C (NM_133629.3, NM_001142571.2); short protein forms E73Q.
Identifiers: ClinVar variation 933410 (VCV000933410.13), dbSNP rs369946779, ClinGen allele CA399091288.
Genomic context (GRCh38, chr17:35,118,547, plus strand): 5'-GTACACACACAAACCTGCCAATGCCAGTGGACAGGATGGCAGTGGAGGTCTTCAGTTCCT[C>G]GTAGAGATCAGCGCCATTCACGGGGAAAGCCGAGAACTGAGCCAGCAGCACCCGCCTCAG-3'
Protein context (NP_002869.3, residues 63-83): AFPVNGADLY[Glu73Gln]ELKTSTAILS

ClinVar aggregate classification (germline): Uncertain significance. Review status: criteria provided, multiple submitters, no conflicts (2 of 4 stars). 3 submissions from 3 submitters: Uncertain significance (3). Last evaluated 2024-01-29.

Conditions:
Breast-ovarian cancer, familial, susceptibility to, 4. Identifiers: Orphanet 145, MedGen C3280345, MONDO:0013669, OMIM 614291.
Hereditary cancer-predisposing syndrome. Also called: Neoplastic Syndromes, Hereditary; Hereditary Cancer Syndrome; Hereditary neoplastic syndrome; Tumor predisposition. Identifiers: Orphanet 140162, MedGen C0027672, MeSH D009386, MONDO:0015356.

Submissions (3):

Color Diagnostics, LLC DBA Color Health
Classification: Uncertain significance for Hereditary cancer-predisposing syndrome. Last evaluated: 2024-01-29. Review status: criteria provided, single submitter. Criteria: ACMG Guidelines, 2015. Collection method: clinical testing. Allele origin: germline.
Comment: This missense variant replaces glutamic acid with glutamine at codon 73 of the RAD51D protein. Computational prediction suggests that this variant may not impact protein structure and function. Splice site prediction tools suggest that this variant may not impact RNA splicing, however, a study conducted using a mini-gene assay reported that this variant may cause some alternative splicing (PMID: 34200360). This variant has not been reported in individuals affected with RAD51D-related disorders in the literature. This variant has not been identified in the general population by the Genome Aggregation Database (gnomAD). The available evidence is insufficient to determine the role of this variant in disease conclusively. Therefore, this variant is classified as a Variant of Uncertain Significance.

Ambry Genetics
Classification: Uncertain significance for Hereditary cancer-predisposing syndrome. Last evaluated: 2020-03-20. Review status: criteria provided, single submitter. Criteria: Ambry Variant Classification Scheme 2023. Collection method: clinical testing. Allele origin: germline.
Comment: The p.E73Q variant (also known as c.217G>C), located in coding exon 3 of the RAD51D gene, results from a G to C substitution at nucleotide position 217. The glutamic acid at codon 73 is replaced by glutamine, an amino acid with highly similar properties. This amino acid position is highly conserved in available vertebrate species. In addition, the in silico prediction for this alteration is inconclusive. Since supporting evidence is limited at this time, the clinical significance of this alteration remains unclear.

Labcorp Genetics (formerly Invitae), Labcorp
Classification: Uncertain significance for Breast-ovarian cancer, familial, susceptibility to, 4. Last evaluated: 2019-08-07. Review status: criteria provided, single submitter. Criteria: Invitae Variant Classification Sherloc (09022015). Collection method: clinical testing. Allele origin: germline.
Comment: In summary, the available evidence is currently insufficient to determine the role of this variant in disease. Therefore, it has been classified as a Variant of Uncertain Significance. Algorithms developed to predict the effect of missense changes on protein structure and function are either unavailable or do not agree on the potential impact of this missense change (SIFT: "Tolerated"; PolyPhen-2: "Possibly Damaging"; Align-GVGD: "Class C0"). This variant has not been reported in the literature in individuals with RAD51D-related conditions. This variant is not present in population databases (ExAC no frequency). This sequence change replaces glutamic acid with glutamine at codon 73 of the RAD51D protein (p.Glu73Gln). The glutamic acid residue is moderately conserved and there is a small physicochemical difference between glutamic acid and glutamine.

Literature cited by the submitters: PubMed 34200360 (cited by Color Diagnostics, LLC DBA Color Health).